The following is an entry in ClinVar:

ClinVar aggregate classification (germline): Uncertain significance (1 of 4 stars; one submission).

Submission:

Labcorp Genetics (formerly Invitae), Labcorp
Classification: Uncertain significance. Last evaluated: 2022-10-28. Review status: criteria provided, single submitter. Criteria: Invitae Variant Classification Sherloc (09022015). Collection method: clinical testing. Allele origin: germline.
Comment: This sequence change creates a premature translational stop signal (p.Ser665*) in the KIF22 gene. While this is not anticipated to result in nonsense mediated decay, it is expected to disrupt the last 1 amino acid(s) of the KIF22 protein. In summary, the available evidence is currently insufficient to determine the role of this variant in disease. Therefore, it has been classified as a Variant of Uncertain Significance. Experimental studies and prediction algorithms are not available or were not evaluated, and the functional significance of this variant is currently unknown. This variant has not been reported in the literature in individuals affected with KIF22-related conditions. This variant is present in population databases (rs778767394, gnomAD 0.0008%).

NM_007317.3(KIF22):c.1991CCT[1] (p.Ser665del)

Gene: KIF22 (kinesin family member 22; plus strand). Cytogenetic location: 16p11.2.
Variant type: Microsatellite.
Coding change: c.1991CCT[1] on transcript NM_007317.3 (MANE Select); one copy of the 3-base unit CCT starting at c.1991; the reference has two copies in a row; one copy, 3 bases deleted.
Protein change: p.Ser665del; deletes serine 665.
Molecular consequence: inframe deletion.
Genome position (GRCh38, 1-based): chr16:29,805,306-29,805,308, CCT deleted; deleting any 3 consecutive bases within chr16:29,805,303-29,805,308 gives the same sequence; the position shown is the placement nearest the transcript's 3' end. VCF-style (leftmost placement, unchanged base first): chr16-29805302-GCCT-G. GRCh37 (hg19) VCF-style: chr16-29816623-GCCT-G.
Other names: c.1787CCT[1], p.Ser597del (NM_001256269.2, NM_001256270.1); short protein forms S597del, S665del.
Identifiers: ClinVar variation 1934086 (VCV001934086.5), dbSNP rs778767394, ClinGen allele CA7993564.